The following is an entry in ClinVar:

ClinVar aggregate classification (germline): Uncertain significance (1 of 4 stars; one submission).

Conditions:
Nemaline myopathy 5 (NEM5A). Also called: Nemaline myopathy 5, Amish type; NEMALINE MYOPATHY 5A, AUTOSOMAL RECESSIVE, SEVERE INFANTILE; NEMALINE MYOPATHY, AMISH TYPE. Identifiers: Orphanet 98902, MedGen C1854380, MONDO:0011539, OMIM 605355.

Submission:

Labcorp Genetics (formerly Invitae), Labcorp
Classification: Uncertain significance for Nemaline myopathy 5. Last evaluated: 2022-07-25. Review status: criteria provided, single submitter. Criteria: Invitae Variant Classification Sherloc (09022015). Collection method: clinical testing. Allele origin: germline.
Comment: This sequence change replaces aspartic acid, which is acidic and polar, with glutamic acid, which is acidic and polar, at codon 194 of the TNNT1 protein (p.Asp194Glu). This variant is not present in population databases (gnomAD no frequency). This variant has not been reported in the literature in individuals affected with TNNT1-related conditions. ClinVar contains an entry for this variant (Variation ID: 1484371). Algorithms developed to predict the effect of missense changes on protein structure and function output the following: SIFT: "Tolerated"; PolyPhen-2: "Benign"; Align-GVGD: "Class C0". The glutamic acid amino acid residue is found in multiple mammalian species, which suggests that this missense change does not adversely affect protein function. In summary, the available evidence is currently insufficient to determine the role of this variant in disease. Therefore, it has been classified as a Variant of Uncertain Significance.

NM_003283.6(TNNT1):c.582C>A (p.Asp194Glu)

Gene: TNNT1 (troponin T1, slow skeletal type; minus strand). Cytogenetic location: 19q13.42.
Variant type: single nucleotide variant.
Coding change: c.582C>A on transcript NM_003283.6 (MANE Select); coding-DNA position 582, C replaced by A.
Protein change: p.Asp194Glu; replaces aspartic acid 194 with glutamic acid.
Molecular consequence: missense variant.
Genome position (GRCh38, 1-based): chr19:55,137,132, G>T on the plus strand (C>A on the coding strand, the complement: TNNT1 is on the minus strand). VCF-style: chr19-55137132-G-T. GRCh37 (hg19) VCF-style: chr19-55648500-G-T.
Other names: c.582C>A, p.Asp194Glu (NM_001126132.3); c.549C>A, p.Asp183Glu (NM_001126133.3, NM_001291774.2); short protein forms D183E, D194E.
Identifiers: ClinVar variation 1484371 (VCV001484371.8), dbSNP rs2147244624, ClinGen allele CA407432653.